The following is an entry in ClinVar:

ClinVar aggregate classification (germline): Uncertain significance (1 of 4 stars; one submission).

Allele frequency attached by ClinVar (database versions not stated): TOPMed below 0.00001; gnomAD 0.00001.
gnomAD v4.1: 6 of 1,613,350 alleles (0.00037%); highest among the groups gnomAD compares: African/African-American, 0.0053%; no homozygotes.

Submission:

Labcorp Genetics (formerly Invitae), Labcorp
Classification: Uncertain significance. Last evaluated: 2023-03-31. Review status: criteria provided, single submitter. Criteria: Invitae Variant Classification Sherloc (09022015). Collection method: clinical testing. Allele origin: germline.
Comment: In summary, the available evidence is currently insufficient to determine the role of this variant in disease. Therefore, it has been classified as a Variant of Uncertain Significance. Algorithms developed to predict the effect of missense changes on protein structure and function output the following: SIFT: "Not Available"; PolyPhen-2: "Benign"; Align-GVGD: "Not Available". The methionine amino acid residue is found in multiple mammalian species, which suggests that this missense change does not adversely affect protein function. This variant has not been reported in the literature in individuals affected with NFKB1-related conditions. This variant is present in population databases (rs752031846, gnomAD 0.006%). This sequence change replaces leucine, which is neutral and non-polar, with methionine, which is neutral and non-polar, at codon 8 of the NFKB1 protein (p.Leu8Met).

NM_003998.4(NFKB1):c.22T>A (p.Leu8Met)

Gene: NFKB1 (nuclear factor kappa B subunit 1; plus strand). Cytogenetic location: 4q24.
Variant type: single nucleotide variant.
Coding change: c.22T>A on transcript NM_003998.4 (MANE Select); coding-DNA position 22, T replaced by A.
Protein change: p.Leu8Met; replaces leucine 8 with methionine.
Molecular consequence: missense variant. On other transcripts: intron variant (1).
Genome position (GRCh38, 1-based): chr4:102,525,540, T>A. VCF-style: chr4-102525540-T-A. GRCh37 (hg19) VCF-style: chr4-103446697-T-A.
Other names: c.22T>A, p.Leu8Met (NM_001165412.2, NM_001319226.2, NM_001382625.1 and 2 more transcripts); c.1-4296T>A (NM_001382628.1); short protein forms L8M.
Identifiers: ClinVar variation 2867436 (VCV002867436.3), dbSNP rs752031846, ClinGen allele CA3025775.